The following is an entry in ClinVar:

NM_001042625.2(CAPSL):c.200G>A (p.Gly67Glu)

Gene: CAPSL (calcyphosine like; minus strand). Cytogenetic location: 5p13.2.
Variant type: single nucleotide variant.
Coding change: c.200G>A on transcript NM_001042625.2 (MANE Select); coding-DNA position 200, G replaced by A.
Protein change: p.Gly67Glu; replaces glycine 67 with glutamic acid.
Molecular consequence: missense variant.
Genome position (GRCh38, 1-based): chr5:35,910,481, C>T on the plus strand (G>A on the coding strand, the complement: CAPSL is on the minus strand). VCF-style: chr5-35910481-C-T. GRCh37 (hg19) VCF-style: chr5-35910583-C-T.
Other names: c.200G>A, p.Gly67Glu (NM_144647.4); short protein forms G67E.
Identifiers: ClinVar variation 3338212 (VCV003338212.2).

ClinVar aggregate classification (germline): Uncertain significance (0 of 4 stars; one submission).

Conditions:
Autism (AUTS). Also called: Autistic disorder of childhood onset; Autistic disorder. Identifiers: MedGen C0004352, MeSH D001321, MONDO:0005260, OMIM 209850, HP:0000717.

Submission:

Centre for Addiction & Mental Health
Classification: Uncertain significance for Autism. Review status: no assertion criteria provided. Collection method: research. Allele origin: biparental. Affected: yes. Observed: 1 homozygote. Segregation with disease observed.
Comment: Gene not previously associated with disease; independent supportng evidence needed